The following is an entry in ClinVar:

NM_000117.3(EMD):c.325G>A (p.Glu109Lys)

Gene: EMD (emerin; plus strand). Cytogenetic location: Xq28.
Variant type: single nucleotide variant.
Coding change: c.325G>A on transcript NM_000117.3 (MANE Select); coding-DNA position 325, G replaced by A.
Protein change: p.Glu109Lys; replaces glutamic acid 109 with lysine.
Molecular consequence: missense variant.
Genome position (GRCh38, 1-based): chrX:154,380,293, G>A. VCF-style: chrX-154380293-G-A. GRCh37 (hg19) VCF-style: chrX-153608653-G-A.
Other names: short protein forms E109K.
Identifiers: ClinVar variation 3703227 (VCV003703227.2).

ClinVar aggregate classification (germline): Uncertain significance (1 of 4 stars; one submission).

Conditions:
X-linked Emery-Dreifuss muscular dystrophy. Also called: Muscular dystrophy, tardive Emery-Dreifuss type, with contractures. Identifiers: Orphanet 261, Orphanet 98863, MedGen C0751337, MONDO:0010680.

Submission:

Labcorp Genetics (formerly Invitae), Labcorp
Classification: Uncertain significance for X-linked Emery-Dreifuss muscular dystrophy. Last evaluated: 2025-11-27. Review status: criteria provided, single submitter. Criteria: Invitae Variant Classification Sherloc (09022015). Collection method: clinical testing. Allele origin: germline.
Comment: This sequence change replaces glutamic acid, which is acidic and polar, with lysine, which is basic and polar, at codon 109 of the EMD protein (p.Glu109Lys). This variant is present in population databases (no rsID available, gnomAD 0.01%). This variant has not been reported in the literature in individuals affected with EMD-related conditions. ClinVar contains an entry for this variant (Variation ID: 3703227). Invitae Evidence Modeling of protein sequence and biophysical properties (such as structural, functional, and spatial information, amino acid conservation, physicochemical variation, residue mobility, and thermodynamic stability) indicates that this missense variant is not expected to disrupt EMD protein function with a negative predictive value of 80%. In summary, the available evidence is currently insufficient to determine the role of this variant in disease. Therefore, it has been classified as a Variant of Uncertain Significance.